The following is an entry in ClinVar:

ClinVar aggregate classification (germline): Uncertain significance. Review status: criteria provided, multiple submitters, no conflicts (2 of 4 stars). 2 submissions from 2 submitters: Uncertain significance (2). Last evaluated 2024-03-19.

Conditions:
Cardiovascular phenotype. Identifiers: MedGen CN230736.

Allele frequency attached by ClinVar (database versions not stated): ExAC 0.00001.
gnomAD v4.1: 2 of 1,613,948 alleles (0.00012%); highest among the groups gnomAD compares: Non-Finnish European, 0.00017%; no homozygotes.

Submissions (2):

Labcorp Genetics (formerly Invitae), Labcorp
Classification: Uncertain significance. Last evaluated: 2024-03-19. Review status: criteria provided, single submitter. Criteria: Invitae Variant Classification Sherloc (09022015). Collection method: clinical testing. Allele origin: germline.
Comment: This sequence change replaces glycine, which is neutral and non-polar, with cysteine, which is neutral and slightly polar, at codon 935 of the ALPK3 protein (p.Gly935Cys). This variant is present in population databases (rs34443853, gnomAD 0.006%). This variant has not been reported in the literature in individuals affected with ALPK3-related conditions. Advanced modeling of protein sequence and biophysical properties (such as structural, functional, and spatial information, amino acid conservation, physicochemical variation, residue mobility, and thermodynamic stability) performed at Invitae indicates that this missense variant is not expected to disrupt ALPK3 protein function with a negative predictive value of 80%. In summary, the available evidence is currently insufficient to determine the role of this variant in disease. Therefore, it has been classified as a Variant of Uncertain Significance.

Ambry Genetics
Classification: Uncertain significance for Cardiovascular phenotype. Last evaluated: 2023-10-14. Review status: criteria provided, single submitter. Criteria: Ambry Variant Classification Scheme 2023. Collection method: clinical testing. Allele origin: germline.

NM_020778.5(ALPK3):c.2197G>T (p.Gly733Cys)

Gene: ALPK3 (alpha kinase 3; plus strand). Cytogenetic location: 15q25.3.
Variant type: single nucleotide variant.
Coding change: c.2197G>T on transcript NM_020778.5 (MANE Select); coding-DNA position 2197, G replaced by T.
Protein change: p.Gly733Cys; replaces glycine 733 with cysteine.
Molecular consequence: missense variant.
Genome position (GRCh38, 1-based): chr15:84,856,935, G>T. VCF-style: chr15-84856935-G-T. GRCh37 (hg19) VCF-style: chr15-85400166-G-T.
Other names: short protein forms G733C.
Identifiers: ClinVar variation 3113703 (VCV003113703.3), dbSNP rs34443853, ClinGen allele CA7709360.